The following is an entry in ClinVar:

ClinVar aggregate classification (germline): Conflicting classifications of pathogenicity. Review status: criteria provided, conflicting classifications (1 of 4 stars). 2 submissions from 2 submitters: Uncertain significance (1); Likely benign (1). Last evaluated 2025-04-09.

Conditions:
CREBBP-related disorder. Also called: CREBBP-related condition; CREBBP-related disorders.
Rubinstein-Taybi syndrome (RSTS). Identifiers: Orphanet 783, MedGen C0035934, MONDO:0019188.

gnomAD v4.1: 7 of 1,614,186 alleles (0.00043%); highest among the groups gnomAD compares: East Asian, 0.0045%; no homozygotes.

Submissions (2):

Labcorp Genetics (formerly Invitae), Labcorp
Classification: Likely benign for Rubinstein-Taybi syndrome. Last evaluated: 2025-04-09. Review status: criteria provided, single submitter. Criteria: Invitae Variant Classification Sherloc (09022015). Collection method: clinical testing. Allele origin: germline.

PreventionGenetics, part of Exact Sciences
Classification: Uncertain significance for CREBBP-related condition. Last evaluated: 2025-03-19. Review status: criteria provided, single submitter. Criteria: ACMG Guidelines, 2015. Collection method: clinical testing. Allele origin: germline.
Comment: The CREBBP c.2930C>T variant is predicted to result in the amino acid substitution p.Ser977Leu. To our knowledge, this variant has not been reported in the literature. This variant is reported in 0.0054% of alleles in individuals of East Asian descent in gnomAD. At this time, the clinical significance of this variant is uncertain due to the absence of conclusive functional and genetic evidence.

NM_004380.3(CREBBP):c.2930C>T (p.Ser977Leu)

Gene: CREBBP (CREB binding lysine acetyltransferase; minus strand). Cytogenetic location: 16p13.3.
Variant type: single nucleotide variant.
Coding change: c.2930C>T on transcript NM_004380.3 (MANE Select); coding-DNA position 2930, C replaced by T.
Protein change: p.Ser977Leu; replaces serine 977 with leucine.
Molecular consequence: missense variant.
Genome position (GRCh38, 1-based): chr16:3,769,304, G>A on the plus strand (C>T on the coding strand, the complement: CREBBP is on the minus strand). VCF-style: chr16-3769304-G-A. GRCh37 (hg19) VCF-style: chr16-3819305-G-A.
Other names: c.2816C>T, p.Ser939Leu (NM_001079846.1); c.2930C>T (NM_004380.2); short protein forms S939L, S977L.
Identifiers: ClinVar variation 3628140 (VCV003628140.3).
Genomic context (GRCh38, chr16:3,769,304, plus strand): 5'-ATTTCCAGCACAGGTACGTCAGGTCCTGGCTGCTGGGAATTGGTTTCTGCGCTGGCCACC[G>A]AGGAGGGGGTAGGGACTCTGTTATCAATGCTGGCTGCTGCCTGGGAAAGCTGTGAAAAAA-3'
Protein context (NP_004371.2, residues 967-987): SIDNRVPTPS[Ser977Leu]VASAETNSQQ